The following is an entry in ClinVar:

ClinVar aggregate classification (germline): Uncertain significance. Review status: reviewed by expert panel (3 of 4 stars). 3 submissions from 3 submitters: Uncertain significance (1). 2 of the submissions do not count toward it. Last evaluated 2023-10-17.

Conditions:
Glanzmann thrombasthenia. Also called: PLATELET GLYCOPROTEIN IIb-IIIa DEFICIENCY; BLEEDING DISORDER, PLATELET-TYPE, 2; THROMBASTHENIA OF GLANZMANN AND NAEGELI; Thrombasthenia; Glanzmann's thrombasthenia. Identifiers: Orphanet 849, MedGen C0040015, MONDO:0100326.

Allele frequency attached by ClinVar (database versions not stated): gnomAD exomes below 0.00001 and 0.00001; TOPMed 0.00001; ExAC 0.00002; gnomAD 0.00003.
gnomAD v4.1: 16 of 1,614,056 alleles (0.00099%); highest among the groups gnomAD compares: Middle Eastern, 0.016%; no homozygotes.

Submissions (3):

ClinGen Platelet Disorders Variant Curation Expert Panel, ClinGen
Classification: Uncertain significance for Glanzmann thrombasthenia. Last evaluated: 2023-10-17. Review status: reviewed by expert panel. Criteria: ClinGen Platelet ACMG Specifications v2-1. Collection method: curation. Allele origin: germline. Inheritance: Autosomal recessive inheritance.
Comment: The c.2471C>G variant in ITGA2B is a missense variant predicted to cause substitution of Threonine by Serine at amino acid 824 (p.Thr824Ser). The highest population minor allele frequency in gnomAD v2.1.1 is 0.00001552 (2/128896 alleles) in the European (non-Finnish) population, which is lower than the ClinGen PD VCEP threshold (<0.0001; PM2_Supporting). The computational predictor REVEL gives a score of 0.127, which is below the ClinGen PD VCEP threshold of <0.25 and predicts no damaging effect on ITGA2B function (BP4). Due to conflicting evidence, this variant is classified as a variant of unknown significance for autosomal recessive Glanzmann Thrombasthenia based on the ACMG/AMP criteria applied, as specified by the ClinGen PD-VCEP: PM2_Supporting and BP4 (VCEP specifications version 2).

Labcorp Genetics (formerly Invitae), Labcorp
Classification: Uncertain significance for Glanzmann thrombasthenia. Last evaluated: 2025-03-19. Review status: criteria provided, single submitter. Criteria: Invitae Variant Classification Sherloc (09022015). Collection method: clinical testing. Allele origin: germline. Not counted in ClinVar's aggregate classification.
Comment: This sequence change replaces threonine, which is neutral and polar, with serine, which is neutral and polar, at codon 824 of the ITGA2B protein (p.Thr824Ser). This variant is present in population databases (rs780567683, gnomAD 0.002%). This variant has not been reported in the literature in individuals affected with ITGA2B-related conditions. ClinVar contains an entry for this variant (Variation ID: 888826). An algorithm developed to predict the effect of missense changes on protein structure and function outputs the following: PolyPhen-2: "Benign". The serine amino acid residue is found in multiple mammalian species, which suggests that this missense change does not adversely affect protein function. In summary, the available evidence is currently insufficient to determine the role of this variant in disease. Therefore, it has been classified as a Variant of Uncertain Significance.

Illumina Laboratory Services, Illumina
Classification: Uncertain significance for Glanzmann thrombasthenia 1. Last evaluated: 2018-01-12. Review status: criteria provided, single submitter. Criteria: ICSL Variant Classification Criteria 13 December 2019. Collection method: clinical testing. Allele origin: germline. Not counted in ClinVar's aggregate classification.

NM_000419.5(ITGA2B):c.2471C>G (p.Thr824Ser)

Gene: ITGA2B (integrin subunit alpha 2b; minus strand). Cytogenetic location: 17q21.31.
Variant type: single nucleotide variant.
Coding change: c.2471C>G on transcript NM_000419.5 (MANE Select); coding-DNA position 2471, C replaced by G.
Protein change: p.Thr824Ser; replaces threonine 824 with serine.
Molecular consequence: missense variant.
Genome position (GRCh38, 1-based): chr17:44,375,963, G>C on the plus strand (C>G on the coding strand, the complement: ITGA2B is on the minus strand). VCF-style: chr17-44375963-G-C. GRCh37 (hg19) VCF-style: chr17-42453331-G-C.
Other names: NM_000419.5(ITGA2B):c.2471C>G; p.Thr824Ser; short protein forms T824S.
Identifiers: ClinVar variation 888826 (VCV000888826.6), dbSNP rs780567683, ClinGen allele CA8602670.
Genomic context (GRCh38, chr17:44,375,963, plus strand): 5'-AGCAGGTCGGAGGGCTGGGACTGTCCCGGAAGGTGGATGCTGAGGTGAAGACCATTCACA[G>C]TCCCAGGGCCATTGTTGTGGAGCTGAAGGGGTGGTGGTGGCAGGGTGTGGGGAGCTTAGC-3'
Protein context (NP_000410.2, residues 814-834): TYELHNNGPG[Thr824Ser]VNGLHLSIHL